The following is an entry in ClinVar:

NM_033380.3(COL4A5):c.1499G>T (p.Gly500Val)

Gene: COL4A5 (collagen type IV alpha 5 chain; plus strand). Cytogenetic location: Xq22.3.
Variant type: single nucleotide variant.
Coding change: c.1499G>T on transcript NM_033380.3 (MANE Select); coding-DNA position 1499, G replaced by T.
Protein change: p.Gly500Val; replaces glycine 500 with valine.
Molecular consequence: missense variant.
Genome position (GRCh38, 1-based): chrX:108,595,584, G>T. VCF-style: chrX-108595584-G-T. GRCh37 (hg19) VCF-style: chrX-107838814-G-T.
Other names: c.1499G>T, p.Gly500Val (NM_000495.5); short protein forms G500V.
Identifiers: ClinVar variation 2627801 (VCV002627801.5), dbSNP rs1569493670, ClinGen allele CA413936064.

ClinVar aggregate classification (germline): Likely pathogenic. Review status: criteria provided, single submitter (1 of 4 stars). 2 submissions from 2 submitters: Likely pathogenic (1). 1 of the submissions does not count toward it. Last evaluated 2023-11-14.

Conditions:
X-linked Alport syndrome (ATS1). Also called: NEPHROPATHY AND DEAFNESS, X-LINKED; COL4A5-Related Nephropathy. Identifiers: Orphanet 63, Orphanet 88917, MedGen C4746986, MONDO:0010520, OMIM 301050.

Submissions (2):

Labcorp Genetics (formerly Invitae), Labcorp
Classification: Likely pathogenic. Last evaluated: 2023-11-14. Review status: criteria provided, single submitter. Criteria: Invitae Variant Classification Sherloc (09022015). Collection method: clinical testing. Allele origin: germline.
Comment: This sequence change replaces glycine, which is neutral and non-polar, with valine, which is neutral and non-polar, at codon 500 of the COL4A5 protein (p.Gly500Val). This variant is not present in population databases (gnomAD no frequency). This missense change has been observed in individual(s) with Alport syndrome (PMID: 26063487). Advanced modeling of protein sequence and biophysical properties (such as structural, functional, and spatial information, amino acid conservation, physicochemical variation, residue mobility, and thermodynamic stability) performed at Invitae indicates that this missense variant is expected to disrupt COL4A5 protein function with a positive predictive value of 95%. This variant disrupts the triple helix domain of COL4A5. Glycine residues within the Gly-Xaa-Yaa repeats of the triple helix domain are required for the structure and stability of fibrillar collagens (PMID: 7695699, 8218237, 19344236). In COL4A5, missense variants at these glycine residues are significantly enriched in individuals with disease (PMID: 23720012, 27627812) compared to the general population (ExAC). This variant disrupts the p.Gly500 amino acid residue in COL4A5. Other variant(s) that disrupt this residue have been observed in individuals with COL4A5-related conditions (PMID: 18343956), which suggests that this may be a clinically significant amino acid residue. In summary, the currently available evidence indicates that the variant is pathogenic, but additional data are needed to prove that conclusively. Therefore, this variant has been classified as Likely Pathogenic.

Medical Genetics Department, Charles Nicolle Hospital Tunis
Classification: Likely pathogenic for X-linked Alport syndrome. Last evaluated: 2022-09-05. Review status: no assertion criteria provided. Collection method: clinical testing. Allele origin: inherited. Inheritance: X-linked dominant inheritance. Affected: yes. Observed: 1 hemizygote. Not counted in ClinVar's aggregate classification.
Comment: DNA sequencing revealed a novel missense variant, Gly500Val, in a Tunisian family. This variant is located within the conserved GLY-X-Y triple helical domain of the COL4A5 gene. It has been identified in two males in a hemizygous state and in three females in a heterozygous state. In silico studies suggest that the Gly500Val variant is likely to be pathogenic. Notably, this novel variant was absent in control Tunisian samples. In summary, the Gly500Val novel variant meets our criteria for classification as likely pathogenic, based on segregation studies, its absence in control samples, and bioinformatic analysis

Literature cited by the submitters: PubMed 26063487 (cited by Labcorp Genetics (formerly Invitae), Labcorp); PubMed 7695699 (cited by Labcorp Genetics (formerly Invitae), Labcorp); PubMed 8218237 (cited by Labcorp Genetics (formerly Invitae), Labcorp); PubMed 19344236 (cited by Labcorp Genetics (formerly Invitae), Labcorp); PubMed 23720012 (cited by Labcorp Genetics (formerly Invitae), Labcorp); PubMed 27627812 (cited by Labcorp Genetics (formerly Invitae), Labcorp); PubMed 18343956 (cited by Labcorp Genetics (formerly Invitae), Labcorp); DOI 10.1097/01.ASN.0000090034.71205.74 (cited by Medical Genetics Department, Charles Nicolle Hospital Tunis).